The following is an entry in ClinVar:

ClinVar aggregate classification (germline): Pathogenic (1 of 4 stars; one submission).

Conditions:
Donnai-Barrow syndrome. Also called: DBS/FOAR SYNDROME; FACIOOCULOACOUSTICORENAL SYNDROME. Identifiers: Orphanet 2143, MedGen C1857277, MONDO:0009104, OMIM 222448.

Submission:

Myriad Genetics, Inc.
Classification: Pathogenic for Donnai-Barrow syndrome. Last evaluated: 2025-06-17. Review status: criteria provided, single submitter. Criteria: Myriad Autosomal Dominant, Autosomal Recessive and X-Linked Classification Criteria (2023). Collection method: clinical testing. Allele origin: unknown.
Comment: NM_004525.2(LRP2):c.57_63del7ins3(C19Wfs*46) is expected to be pathogenic in the context of Donnai-Barrow syndrome. This variant is predicted to lead to an abnormal or absent protein product due to the creation of a premature termination codon in LRP2, a gene where loss-of-function variants are known to be pathogenic. Please note: this variant was assessed in the context of healthy population screening.

NM_004525.3(LRP2):c.57_63delinsGCC (p.Cys19fs)

Gene: LRP2 (LDL receptor related protein 2; minus strand). Cytogenetic location: 2q31.1.
Variant type: Indel.
Coding change: c.57_63delinsGCC on transcript NM_004525.3 (MANE Select); coding-DNA positions 57 to 63, CCTAGCG replaced by GCC.
Protein change: p.Cys19fs; shifts the reading frame from cysteine 19.
Molecular consequence: frameshift variant.
Genome position (GRCh38, 1-based): chr2:169,362,337-169,362,343, CGCTAGG replaced by GGC on the plus strand (CCTAGCG replaced by GCC on the coding strand, the reverse complement: LRP2 is on the minus strand). VCF-style: chr2-169362337-CGCTAGG-GGC. GRCh37 (hg19) VCF-style: chr2-170218847-CGCTAGG-GGC.
Other names: short protein forms C19fs.
Identifiers: ClinVar variation 5014609 (VCV005014609.1).